The following is an entry in ClinVar:

ClinVar aggregate classification (germline): Likely pathogenic. Review status: reviewed by expert panel (3 of 4 stars). 12 submissions from 12 submitters: Likely pathogenic (1). 11 of the submissions do not count toward it. Last evaluated 2022-05-06.

Conditions:
Very long chain acyl-CoA dehydrogenase deficiency (ACADVLD). Also called: Very Long-Chain Acyl-Coenzyme A Dehydrogenase Deficiency; VLCAD Deficiency. Identifiers: Orphanet 26793, MedGen C3887523, MONDO:0008723, OMIM 201475.

Allele frequency attached by ClinVar (database versions not stated): gnomAD exomes below 0.00001; gnomAD 0.00001; TOPMed 0.00001.
gnomAD v4.1: 2 of 1,613,940 alleles (0.00012%); highest among the groups gnomAD compares: Non-Finnish European, 0.00017%; no homozygotes.

Submissions (12):

ClinGen ACADVL Variant Curation Expert Panel, ClinGen
Classification: Likely pathogenic for Very long chain acyl-CoA dehydrogenase deficiency. Last evaluated: 2022-05-06. Review status: reviewed by expert panel. Criteria: clingen acadvl acmg specifications v1. Collection method: curation. Allele origin: germline. Inheritance: Autosomal recessive inheritance.
Comment: The c.364A>G (p.Asn122Asp) variant in ACADVL is a missense in exon 6. This variant has been reported as a homozygote in the literature associated with very-long chain acyl-CoA dehydrogenase deficiency (PP4; PMID: 34480364). Fatty acid oxidation (FAO) flux assay performed on patient fibroblast homozygous for this variant demonstrated severe reduction of enzyme activity (PS3, PMID: 20060901). In additon, protein production was deficient for this genotype shown by western blot (PMID: 20060901). This variant is absent from population databases gnomAD v2.1.1 (PM2_supporting). The computational predictor REVEL gives a score of 0.86, which is above the threshold of 0.75, evidence that correlates with impact to ACADVL function (PP3). In summary, this variant meets the criteria to be classified as likely pathogenic for autosomal recessive very long chain acyl-CoA dehydrogenase (VLCAD) deficiency based on the ACMG/AMP criteria applied, as specified by the ClinGen ACADVL Variant Curation Expert Panel: (PP4,PP3, PS3, PM2_Supporting).

GeneDx
Classification: Pathogenic. Last evaluated: 2025-10-10. Review status: criteria provided, single submitter. Criteria: GeneDx Variant Classification Process June 2021. Collection method: clinical testing. Allele origin: germline. Not counted in ClinVar's aggregate classification.
Comment: Not observed at significant frequency in large population cohorts (gnomAD); In silico analysis supports that this missense variant has a deleterious effect on protein structure/function; This variant is associated with the following publications: (PMID: 20060901, 33610471, 34436479, 34480364, 17999356, 34069977, 24503138, 30925787, 33725513, 25737446, 34638902)

Labcorp Genetics (formerly Invitae), Labcorp
Classification: Pathogenic for Very long chain acyl-CoA dehydrogenase deficiency. Last evaluated: 2025-04-01. Review status: criteria provided, single submitter. Criteria: Invitae Variant Classification Sherloc (09022015). Collection method: clinical testing. Allele origin: germline. Not counted in ClinVar's aggregate classification.
Comment: This sequence change replaces asparagine, which is neutral and polar, with aspartic acid, which is acidic and polar, at codon 122 of the ACADVL protein (p.Asn122Asp). This variant is not present in population databases (gnomAD no frequency). This missense change has been observed in individual(s) with very long chain acyl-CoA dehydrogenase deficiency (PMID: 20060901). ClinVar contains an entry for this variant (Variation ID: 376917). Invitae Evidence Modeling of protein sequence and biophysical properties (such as structural, functional, and spatial information, amino acid conservation, physicochemical variation, residue mobility, and thermodynamic stability) indicates that this missense variant is expected to disrupt ACADVL protein function with a positive predictive value of 80%. For these reasons, this variant has been classified as Pathogenic.

Variantyx, Inc.
Classification: Pathogenic for Very long chain acyl-CoA dehydrogenase deficiency. Last evaluated: 2025-03-21. Review status: criteria provided, single submitter. Criteria: Variantyx Assertion Criteria 2022. Collection method: clinical testing. Allele origin: germline. Affected: yes. Not counted in ClinVar's aggregate classification.
Comment: This is a nonsynonymous variant in the ACADVL gene (OMIM: 609575). Pathogenic variants in this gene have been associated with autosomal recessive very long-chain acyl-CoA dehydrogenase deficiency. Functional studies have shown that this variant alters ACADVL protein function (PMID: 20060901) (PS3). Multiple computational algorithms predict a deleterious effect for this variant (REVEL score: 0.856) (PP3_Moderate). This variant has a 0.0005% maximum allele frequency in non-founder control populations (PM2_Supporting). Other reputable laboratories have reported this variant as pathogenic or likely pathogenic, and this classification has been validated by an expert panel in ClinVar (PP5). Based on the current evidence, this variant is classified as pathogenic for autosomal recessive very long-chain acyl-CoA dehydrogenase deficiency.

ARUP Laboratories, Molecular Genetics and Genomics, ARUP Laboratories
Classification: Likely pathogenic for Very long chain acyl-CoA dehydrogenase deficiency. Last evaluated: 2024-11-20. Review status: criteria provided, single submitter. Criteria: ARUP Molecular Germline Variant Investigation Process 2024. Collection method: clinical testing. Allele origin: germline. Not counted in ClinVar's aggregate classification.
Comment: The ACADVL c.364A>G; p.Asn122Asp variant (rs1057520088; ClinVar ID: 376917) is reported in the literature in several homozygous individuals affected with very-long-chain acyl-coenzyme A dehydrogenase deficiency (Gobin-Limballe 2010, Sharma 2021). This variant is absent from the Genome Aggregation Database (v2.1.1), indicating it is not a common polymorphism. Computational analyses predict that this variant is deleterious (REVEL: 0.856). Consistent with predictions, cultured fibroblasts from a homozygous individual showed extremely low residual VLCAD protein levels and significant reduction in enzyme activity (Gobin-Limballe 2007, Gobin-Limballe 2010). Based on available information, this variant is considered to be likely pathogenic. References: Gobin-Limballe S et al. Compared effects of missense mutations in Very-Long-Chain Acyl-CoA Dehydrogenase deficiency: Combined analysis by structural, functional and pharmacological approaches. Biochim Biophys Acta. 2010 May;1802(5):478-84. PMID: 20060901. Gobin-Limballe S et al. Genetic basis for correction of very-long-chain acyl-coenzyme A dehydrogenase deficiency by bezafibrate in patient fibroblasts: toward a genotype-based therapy. Am J Hum Genet. 2007 Dec;81(6):1133-43. PMID: 17999356. Sharma S et al. Diagnostic yield of genetic testing in 324 infants with hypotonia. Clin Genet. 2021 Dec;100(6):752-757. PMID: 34480364.

Natera, Inc.
Classification: Likely pathogenic for Very long chain acyl-CoA dehydrogenase deficiency. Last evaluated: 2024-07-26. Review status: criteria provided, single submitter. Criteria: Natera Variant Classification Schema (03/2026). Collection method: clinical testing. Allele origin: germline. Not counted in ClinVar's aggregate classification.
Comment: The c.364A>G variant in ACADVL is a missense variant predicted to cause substitution of asparagine to aspartic acid at amino acid 122. This variant is rare in the general population with a frequency below the threshold expected for the associated phenotype(s). This variant has been observed in one or more individuals affected with the associated recessive disease, as either homozygous or compound heterozygous with a second variant (PMID: 34480364, 33610471, 25737446). This variant has been identified in one or more affected individuals with a phenotype highly consistent with the associated gene (PMID: 34480364). Computational prediction algorithms indicate this variant is likely to affect gene or protein function. Given the available evidence, this variant is classified as Likely Pathogenic.

Fulgent Genetics
Classification: Pathogenic for Very long chain acyl-CoA dehydrogenase deficiency. Last evaluated: 2024-06-14. Review status: criteria provided, single submitter. Criteria: ACMG Guidelines, 2015. Collection method: clinical testing. Allele origin: germline. Not counted in ClinVar's aggregate classification.

Baylor Genetics
Classification: Likely pathogenic for Very long chain acyl-CoA dehydrogenase deficiency. Last evaluated: 2023-08-18. Review status: criteria provided, single submitter. Criteria: ACMG Guidelines, 2015. Collection method: clinical testing. Allele origin: unknown. Not counted in ClinVar's aggregate classification.

Women's Health and Genetics/Laboratory Corporation of America, LabCorp
Classification: Pathogenic for Very long chain acyl-CoA dehydrogenase deficiency. Last evaluated: 2023-06-26. Review status: criteria provided, single submitter. Criteria: LabCorp Variant Classification Summary - May 2015. Collection method: clinical testing. Allele origin: germline. Not counted in ClinVar's aggregate classification.
Comment: Variant summary: ACADVL c.364A>G (p.Asn122Asp) results in a conservative amino acid change in the encoded protein sequence. Three of five in-silico tools predict a damaging effect of the variant on protein function. The variant was absent in 251418 control chromosomes. c.364A>G has been reported in the literature in multiple individuals affected with Very Long Chain Acyl-CoA Dehydrogenase Deficiency (e.g. Gobin-Limballe_2007, Merritt_2014, Sharma_2021). These data indicate that the variant is very likely to be associated with disease. Experimental evidence evaluating an impact on protein function demonstrated the variant results in considerably decreased VLCAD activity (Gobin-Limballe_2007, Tenopoulou_2015). The following publications have been ascertained in the context of this evaluation (PMID: 17999356, 24503138, 34480364, 25737446). Six submitters including an expert panel (ClinGen ACADVL Variant Curation Expert Panel) have cited clinical-significance assessments for this variant to ClinVar after 2014. All submitters classified the variant as pathogenic/likely pathogenic. Based on the evidence outlined above, the variant was classified as pathogenic.

Revvity Omics, Revvity
Classification: Likely pathogenic for Very long chain acyl-CoA dehydrogenase deficiency. Last evaluated: 2021-11-09. Review status: criteria provided, single submitter. Criteria: ACMG Guidelines, 2015. Collection method: clinical testing. Allele origin: germline. Not counted in ClinVar's aggregate classification.

Wong Mito Lab, Molecular and Human Genetics, Baylor College of Medicine
Classification: Pathogenic for Very long chain acyl-CoA dehydrogenase deficiency. Last evaluated: 2019-11-01. Review status: criteria provided, single submitter. Criteria: ACMG Guidelines, 2015. Collection method: clinical testing. Allele origin: germline. Not counted in ClinVar's aggregate classification.
Comment: The NM_000018.3:c.364A>G (NP_000009.1:p.Asn122Asp) [GRCH38: NC_000017.11:g.7220945A>G] variant in ACADVL gene is interpretated to be Pathogenic based on ACMG guidelines (PMID: 25741868). This variant has been reported in PMID: 20060901. This variant meets the following evidence codes reported in the ACMG guidelines: PS1, PS3

Center for Pediatric Genomic Medicine, Children's Mercy Hospital and Clinics
Classification: Pathogenic. Last evaluated: 2016-06-01. Review status: criteria provided, single submitter. Criteria: ACMG Guidelines, 2015. Collection method: clinical testing. Allele origin: germline. Not counted in ClinVar's aggregate classification.

Literature cited by the submitters: PubMed 20060901 (cited by Labcorp Genetics (formerly Invitae), Labcorp and Wong Mito Lab, Molecular and Human Genetics, Baylor College of Medicine); PubMed 34480364 (cited by Natera, Inc. and Women's Health and Genetics/Laboratory Corporation of America, LabCorp); PubMed 33610471 (cited by Natera, Inc.); PubMed 25737446 (cited by Natera, Inc. and Women's Health and Genetics/Laboratory Corporation of America, LabCorp); PubMed 17999356 (cited by Women's Health and Genetics/Laboratory Corporation of America, LabCorp); PubMed 24503138 (cited by Women's Health and Genetics/Laboratory Corporation of America, LabCorp).

NM_000018.4(ACADVL):c.364A>G (p.Asn122Asp)

Gene: ACADVL (acyl-CoA dehydrogenase very long chain; plus strand). Cytogenetic location: 17p13.1.
Variant type: single nucleotide variant.
Coding change: c.364A>G on transcript NM_000018.4 (MANE Select); coding-DNA position 364, A replaced by G.
Protein change: p.Asn122Asp; replaces asparagine 122 with aspartic acid.
Molecular consequence: missense variant.
Genome position (GRCh38, 1-based): chr17:7,220,945, A>G. VCF-style: chr17-7220945-A-G. GRCh37 (hg19) VCF-style: chr17-7124264-A-G.
Other names: NM_000018.4(ACADVL):c.364A>G; p.Asn122Asp; c.364A>G (NM_000018.2); c.298A>G, p.Asn100Asp (NM_001033859.3); c.433A>G, p.Asn145Asp (NM_001270447.2); c.136A>G, p.Asn46Asp (NM_001270448.2); short protein forms N122D, N46D, N145D, N100D.
Identifiers: ClinVar variation 376917 (VCV000376917.34), dbSNP rs1057520088, ClinGen allele CA16603209.